The following is an entry in ClinVar:

ClinVar aggregate classification (germline): Benign/Likely benign. Review status: criteria provided, multiple submitters, no conflicts (2 of 4 stars). 4 submissions from 4 submitters: Benign (1); Likely benign (3). Last evaluated 2026-01-14.

Allele frequency attached by ClinVar (database versions not stated): gnomAD exomes 0.00013 and 0.00028; ExAC 0.00039; gnomAD 0.00123 and 0.00130; TOPMed 0.00147; ESP Exome Variant Server 0.00154; 1000 Genomes Project 0.00160; 1000 Genomes Project 30x 0.00187.
gnomAD v4.1: 390 of 1,612,438 alleles (0.024%); highest among the groups gnomAD compares: African/African-American, 0.44%; 1 homozygote.

Submissions (4):

Labcorp Genetics (formerly Invitae), Labcorp
Classification: Benign. Last evaluated: 2026-01-14. Review status: criteria provided, single submitter. Criteria: Invitae Variant Classification Sherloc (09022015). Collection method: clinical testing. Allele origin: germline.

Women's Health and Genetics/Laboratory Corporation of America, LabCorp
Classification: Likely benign. Last evaluated: 2025-10-28. Review status: criteria provided, single submitter. Criteria: LabCorp Variant Classification Summary - May 2015. Collection method: clinical testing. Allele origin: germline.

CeGaT Center for Human Genetics Tuebingen
Classification: Likely benign. Last evaluated: 2025-04-01. Review status: criteria provided, single submitter. Criteria: CeGaT Center For Human Genetics Tuebingen Variant Classification Criteria Version 2. Collection method: clinical testing. Allele origin: germline. Affected: yes. Observed: 1 variant allele.
Comment: CRB2: BP4

Blueprint Genetics
Classification: Likely benign. Last evaluated: 2024-09-23. Review status: criteria provided, single submitter. Criteria: ACMG Guidelines, 2015. Collection method: clinical testing. Allele origin: germline.

NM_173689.7(CRB2):c.3471C>T (p.Ala1157=)

Gene: CRB2 (crumbs cell polarity complex component 2; plus strand). Cytogenetic location: 9q33.3.
Variant type: single nucleotide variant.
Coding change: c.3471C>T on transcript NM_173689.7 (MANE Select); coding-DNA position 3471, C replaced by T.
Protein change: p.Ala1157=; no amino-acid change (alanine 1157 retained).
Molecular consequence: synonymous variant. On other transcripts: non-coding transcript variant (1).
Genome position (GRCh38, 1-based): chr9:123,374,660, C>T. VCF-style: chr9-123374660-C-T. GRCh37 (hg19) VCF-style: chr9-126136939-C-T.
Identifiers: ClinVar variation 711025 (VCV000711025.19), dbSNP rs61745393, ClinGen allele CA5232489.